The following is an entry in ClinVar:

ClinVar aggregate classification (germline): Pathogenic. Review status: reviewed by expert panel (3 of 4 stars). 7 submissions from 7 submitters: Pathogenic (1). 6 of the submissions do not count toward it. Last evaluated 2016-09-08.

Conditions:
Hereditary breast ovarian cancer syndrome. Also called: BRCA1- and BRCA2-Associated Hereditary Breast and Ovarian Cancer; Hereditary breast and ovarian cancer syndrome; Hereditary breast and ovarian cancer syndrome (HBOC); Breast and ovarian cancer; Hereditary breast and/or ovarian cancer syndrome; Hereditary breast and ovarian cancer. Identifiers: Orphanet 145, MedGen C0677776, MeSH D061325, MONDO:0003582. Disease mechanism: loss of function.
Breast-ovarian cancer, familial, susceptibility to, 1 (BROVCA1). Also called: BRCA1 Hereditary Breast and Ovarian Cancer; OVARIAN CANCER, SUSCEPTIBILITY TO. Identifiers: Orphanet 145, MedGen C2676676, MONDO:0011450, OMIM 604370. Disease mechanism: loss of function.

Submissions (7):

Evidence-based Network for the Interpretation of Germline Mutant Alleles (ENIGMA)
Classification: Pathogenic for Breast-ovarian cancer, familial, susceptibility to, 1. Last evaluated: 2016-09-08. Review status: reviewed by expert panel. Criteria: ENIGMA BRCA1/2 Classification Criteria (2015). Collection method: curation. Allele origin: germline.
Comment: Variant allele predicted to encode a truncated non-functional protein.

Baylor Genetics
Classification: Pathogenic for Breast-ovarian cancer, familial, susceptibility to, 1. Last evaluated: 2022-06-06. Review status: criteria provided, single submitter. Criteria: ACMG Guidelines, 2015. Collection method: clinical testing. Allele origin: unknown. Not counted in ClinVar's aggregate classification.

Labcorp Genetics (formerly Invitae), Labcorp
Classification: Pathogenic for Hereditary breast ovarian cancer syndrome. Last evaluated: 2022-02-05. Review status: criteria provided, single submitter. Criteria: Invitae Variant Classification Sherloc (09022015). Collection method: clinical testing. Allele origin: germline. Not counted in ClinVar's aggregate classification.
Comment: This sequence change creates a premature translational stop signal (p.His1195Ilefs*15) in the BRCA1 gene. It is expected to result in an absent or disrupted protein product. Loss-of-function variants in BRCA1 are known to be pathogenic (PMID: 20104584). This variant is not present in population databases (gnomAD no frequency). For these reasons, this variant has been classified as Pathogenic. This premature translational stop signal has been observed in individual(s) with breast cancer and/or ovarian cancer (PMID: 18060494, 28477318). This variant is also known as c.3700delC. ClinVar contains an entry for this variant (Variation ID: 54923).

Institute for Clinical Genetics, University Hospital TU Dresden, University Hospital TU Dresden
Classification: Pathogenic. Last evaluated: 2021-11-03. Review status: criteria provided, single submitter. Criteria: ACMG Guidelines, 2015. Collection method: clinical testing. Allele origin: germline. Not counted in ClinVar's aggregate classification.

Women's Health and Genetics/Laboratory Corporation of America, LabCorp
Classification: Pathogenic for Hereditary breast and ovarian cancer syndrome. Last evaluated: 2020-03-02. Review status: criteria provided, single submitter. Criteria: LabCorp Variant Classification Summary - May 2015. Collection method: clinical testing. Allele origin: germline. Not counted in ClinVar's aggregate classification.
Comment: Variant summary: BRCA1 c.3583delC (p.His1195IlefsX15) results in a premature termination codon, predicted to cause a truncation of the encoded protein or absence of the protein due to nonsense mediated decay, which are commonly known mechanisms for disease. Truncations downstream of this position have been classified as pathogenic by our laboratory. The variant was absent in 250844 control chromosomes (gnomAD). c.3583delC has been reported in the literature in individuals affected with Hereditary Breast and Ovarian Cancer (e.g. Esteban Cardenosa_2008, Rebbeck_2018). To our knowledge, no experimental evidence demonstrating an impact on protein function has been reported. Two ClinVar submitters including an expert panel (ENIGMA) (evaluation after 2014) cite the variant as pathogenic. Based on the evidence outlined above, the variant was classified as pathogenic.

Consortium of Investigators of Modifiers of BRCA1/2 (CIMBA), c/o University of Cambridge
Classification: Pathogenic for Breast-ovarian cancer, familial, susceptibility to, 1. Last evaluated: 2015-10-02. Review status: criteria provided, single submitter. Criteria: CIMBA Mutation Classification guidelines May 2016. Collection method: clinical testing. Allele origin: germline. Not counted in ClinVar's aggregate classification.

Breast Cancer Information Core (BIC) (BRCA1)
Classification: Pathogenic for Breast-ovarian cancer, familial 1. Last evaluated: 2007-05-29. Review status: no assertion criteria provided. Collection method: clinical testing. Allele origin: germline. Affected: yes. Observed: 1 variant allele. Not counted in ClinVar's aggregate classification.

Literature cited by the submitters: PubMed 20104584 (cited by Labcorp Genetics (formerly Invitae), Labcorp); PubMed 18060494 (cited by Labcorp Genetics (formerly Invitae), Labcorp and Women's Health and Genetics/Laboratory Corporation of America, LabCorp); PubMed 28477318 (cited by Labcorp Genetics (formerly Invitae), Labcorp); PubMed 29446198 (cited by Women's Health and Genetics/Laboratory Corporation of America, LabCorp).

NM_007294.4(BRCA1):c.3583del (p.His1195fs)

Genes: BRCA1 (BRCA1 DNA repair associated; minus strand), LOC126862571 (BRD4-independent group 4 enhancer GRCh37_chr17:41243136-41244335; plus strand). Cytogenetic location: 17q21.31.
Variant type: Deletion.
Coding change: c.3583del on transcript NM_007294.4 (MANE Select); coding-DNA position 3583, one base deleted (C; older notation c.3583delC).
Protein change: p.His1195fs; shifts the reading frame from histidine 1195.
Molecular consequence: frameshift variant. On other transcripts: intron variant (135).
Genome position (GRCh38, 1-based): chr17:43,091,948, G deleted on the plus strand (C on the coding strand, the reverse complement: BRCA1 is on the minus strand); the first of 3 consecutive G bases (chr17:43,091,948-43,091,950); deleting any one gives the same sequence. VCF-style (leftmost placement, unchanged base first): chr17-43091947-TG-T. GRCh37 (hg19) VCF-style: chr17-41243964-TG-T.
Other names: 3700delC; c.3370del, p.His1124fs (NM_001407571.1, NM_001407853.1, NM_001407894.1 and 9 more transcripts); c.3583del, p.His1195fs (NM_001407581.1, NM_001407582.1, NM_001407583.1 and 30 more transcripts); c.3580del, p.His1194fs (NM_001407587.1, NM_001407590.1, NM_001407591.1 and 22 more transcripts); c.3574del, p.His1192fs (NM_001407646.1, NM_001407647.1); c.3460del, p.His1154fs (NM_001407648.1, NM_001407664.1, NM_001407665.1 and 19 more transcripts); c.3457del, p.His1153fs (NM_001407649.1, NM_001407670.1, NM_001407671.1 and 11 more transcripts); c.3505del, p.His1169fs (NM_001407653.1, NM_001407654.1, NM_001407655.1 and 4 more transcripts); and 43 more; short protein forms H1148fs, H1195fs, H1027fs, H1083fs, H1084fs, H1124fs, H1127fs, H1154fs.
Identifiers: ClinVar variation 54923 (VCV000054923.15), dbSNP rs273900710, ClinGen allele CA002282.